The following is an entry in ClinVar:

ClinVar aggregate classification (germline): Uncertain significance. Review status: criteria provided, multiple submitters, no conflicts (2 of 4 stars). 2 submissions from 2 submitters: Uncertain significance (2). Last evaluated 2025-06-11.

Conditions:
Early-infantile DEE. Also called: Early infantile epileptic encephalopathy; Ohtahara syndrome; Early infantile epileptic encephalopathy with suppression bursts. Identifiers: Orphanet 1934, MedGen C0393706, MONDO:0800491.

gnomAD v4.1: 10 of 1,611,298 alleles (0.00062%); highest among the groups gnomAD compares: Non-Finnish European, 0.00085%; no homozygotes.

Submissions (2):

Labcorp Genetics (formerly Invitae), Labcorp
Classification: Uncertain significance for Early-infantile DEE. Last evaluated: 2025-06-11. Review status: criteria provided, single submitter. Criteria: Invitae Variant Classification Sherloc (09022015). Collection method: clinical testing. Allele origin: germline.
Comment: This sequence change replaces valine, which is neutral and non-polar, with isoleucine, which is neutral and non-polar, at codon 1186 of the SCN1A protein (p.Val1186Ile). This variant is not present in population databases (gnomAD no frequency). This variant has not been reported in the literature in individuals affected with SCN1A-related conditions. ClinVar contains an entry for this variant (Variation ID: 2663473). Invitae Evidence Modeling of protein sequence and biophysical properties (such as structural, functional, and spatial information, amino acid conservation, physicochemical variation, residue mobility, and thermodynamic stability) indicates that this missense variant is not expected to disrupt SCN1A protein function with a negative predictive value of 95%. In summary, the available evidence is currently insufficient to determine the role of this variant in disease. Therefore, it has been classified as a Variant of Uncertain Significance.

GeneDx
Classification: Uncertain significance. Last evaluated: 2023-04-06. Review status: criteria provided, single submitter. Criteria: GeneDx Variant Classification Process June 2021. Collection method: clinical testing. Allele origin: germline. Affected: yes.
Comment: Not observed at significant frequency in large population cohorts (gnomAD); Missense variants in this gene are often considered pathogenic (HGMD); In silico analysis supports that this missense variant does not alter protein structure/function; This substitution is predicted to be in the cytoplasmic loop between the second and third homologous domains; Has not been previously published as pathogenic or benign to our knowledge

NM_001165963.4(SCN1A):c.3556G>A (p.Val1186Ile)

Genes: SCN1A (sodium voltage-gated channel alpha subunit 1; minus strand), LOC102724058 (uncharacterized LOC102724058; plus strand). Cytogenetic location: 2q24.3.
Variant type: single nucleotide variant.
Coding change: c.3556G>A on transcript NM_001165963.4 (MANE Select); coding-DNA position 3556, G replaced by A.
Protein change: p.Val1186Ile; replaces valine 1186 with isoleucine.
Molecular consequence: missense variant. On other transcripts: non-coding transcript variant (1).
Genome position (GRCh38, 1-based): chr2:166,013,893, C>T on the plus strand (G>A on the coding strand, the complement: SCN1A is on the minus strand). VCF-style: chr2-166013893-C-T. GRCh37 (hg19) VCF-style: chr2-166870403-C-T.
Other names: c.3472G>A, p.Val1158Ile (NM_001165964.3, NM_001353957.2, NM_001353958.2); c.3556G>A, p.Val1186Ile (NM_001202435.3, NM_001353948.2); c.3523G>A, p.Val1175Ile (NM_001353949.2, NM_001353950.2, NM_001353951.2 and 2 more transcripts); c.3520G>A, p.Val1174Ile (NM_001353954.2, NM_001353955.2); c.3469G>A, p.Val1157Ile (NM_001353960.2); c.1114G>A, p.Val372Ile (NM_001353961.2); short protein forms V1157I, V1158I, V1174I, V1175I, V1186I, V372I.
Identifiers: ClinVar variation 2663473 (VCV002663473.2), dbSNP rs780607306, ClinGen allele CA349056409.